The following is an entry in ClinVar:

NM_001365951.3(KIF1B):c.2437A>G (p.Lys813Glu)

Gene: KIF1B (kinesin family member 1B; plus strand). Cytogenetic location: 1p36.22.
Variant type: single nucleotide variant.
Coding change: c.2437A>G on transcript NM_001365951.3 (MANE Select); coding-DNA position 2437, A replaced by G.
Protein change: p.Lys813Glu; replaces lysine 813 with glutamic acid.
Molecular consequence: missense variant.
Genome position (GRCh38, 1-based): chr1:10,323,962, A>G. VCF-style: chr1-10323962-A-G. GRCh37 (hg19) VCF-style: chr1-10384020-A-G.
Other names: c.2437A>G, p.Lys813Glu (NM_001365952.1); c.2299A>G, p.Lys767Glu (NM_015074.3); short protein forms K767E, K813E.
Identifiers: ClinVar variation 1789207 (VCV001789207.8), dbSNP rs911237861, ClinGen allele CA17835911.
Genomic context (GRCh38, chr1:10,323,962, plus strand): 5'-CTGCTGACTGACACACTGTACTCCCCTTTGCCTCCTGAATTACTTCCCACTGAGATGGAA[A>G]AAACTCATGAGGACAGGCCTTTCCCTCGCACAGTGGTAGCAGTAGAAGTCCAGGATTTGA-3'
Protein context (NP_001352880.1, residues 803-823): PPELLPTEME[Lys813Glu]THEDRPFPRT

ClinVar aggregate classification (germline): Uncertain significance. Review status: criteria provided, multiple submitters, no conflicts (2 of 4 stars). 2 submissions from 2 submitters: Uncertain significance (2). Last evaluated 2025-07-07.

Conditions:
Charcot-Marie-Tooth disease type 2. Also called: Charcot-Marie-Tooth type 2. Identifiers: Orphanet 64746, MedGen C0270914, MONDO:0018993.

Allele frequency attached by ClinVar (database versions not stated): gnomAD exomes 0.00003; gnomAD 0.00001; TOPMed below 0.00001.
gnomAD v4.1: 47 of 1,614,086 alleles (0.0029%); highest among the groups gnomAD compares: Non-Finnish European, 0.0036%; no homozygotes.

Submissions (2):

Labcorp Genetics (formerly Invitae), Labcorp
Classification: Uncertain significance for Charcot-Marie-Tooth disease type 2. Last evaluated: 2025-07-07. Review status: criteria provided, single submitter. Criteria: Invitae Variant Classification Sherloc (09022015). Collection method: clinical testing. Allele origin: germline.
Comment: This sequence change replaces lysine, which is basic and polar, with glutamic acid, which is acidic and polar, at codon 767 of the KIF1B protein (p.Lys767Glu). This variant is present in population databases (no rsID available, gnomAD 0.004%). This variant has not been reported in the literature in individuals affected with KIF1B-related conditions. ClinVar contains an entry for this variant (Variation ID: 1789207). An algorithm developed to predict the effect of missense changes on protein structure and function (PolyPhen-2) suggests that this variant is likely to be tolerated. In summary, the available evidence is currently insufficient to determine the role of this variant in disease. Therefore, it has been classified as a Variant of Uncertain Significance.

Ambry Genetics
Classification: Uncertain significance. Last evaluated: 2024-11-04. Review status: criteria provided, single submitter. Criteria: Ambry Variant Classification Scheme 2023. Collection method: clinical testing. Allele origin: germline.
Comment: The p.K767E variant (also known as c.2299A>G), located in coding exon 22 of the KIF1B gene, results from an A to G substitution at nucleotide position 2299. The lysine at codon 767 is replaced by glutamic acid, an amino acid with similar properties. This amino acid position is highly conserved in available vertebrate species. In addition, this alteration is predicted to be tolerated by in silico analysis. The evidence for this gene-disease relationship is limited; therefore, the clinical significance of this alteration is unclear.